The following is an entry in ClinVar:

NM_000051.4(ATM):c.5005+2T>G

Gene: ATM (ATM serine/threonine kinase; plus strand). Cytogenetic location: 11q22.3.
Variant type: single nucleotide variant.
Coding change: c.5005+2T>G on transcript NM_000051.4 (MANE Select); the canonical splice donor site of the intron after coding-DNA position 5005, T replaced by G.
Molecular consequence: splice donor variant.
Genome position (GRCh38, 1-based): chr11:108,297,384, T>G. VCF-style: chr11-108297384-T-G. GRCh37 (hg19) VCF-style: chr11-108168111-T-G.
Other names: c.5005+2T>G (NM_001351834.2).
Identifiers: ClinVar variation 926849 (VCV000926849.3), dbSNP rs2083182794, ClinGen allele CA382538614.
Genomic context (GRCh38, chr11:108,297,384, plus strand): 5'-CAATTTGTTGCAGTTATCCAAGATGGCAATAAACCACACTGGTGAAAAAGAAGTTCTAGG[T>G]AAACTACAGTCATGCGCTGCGTGACATTTCAGTCAACTGCGGATCACATATAGGACAGAT-3'

ClinVar aggregate classification (germline): Uncertain significance (1 of 4 stars; one submission).

Conditions:
Hereditary cancer-predisposing syndrome. Also called: Neoplastic Syndromes, Hereditary; Tumor predisposition; Hereditary Cancer Syndrome; Hereditary neoplastic syndrome. Identifiers: Orphanet 140162, MedGen C0027672, MeSH D009386, MONDO:0015356.

Submission:

Color Diagnostics, LLC DBA Color Health
Classification: Uncertain significance for Hereditary cancer-predisposing syndrome. Last evaluated: 2020-10-28. Review status: criteria provided, single submitter. Criteria: ACMG Guidelines, 2015. Collection method: clinical testing. Allele origin: germline.
Comment: This variant causes a T to G nucleotide substitution at the +2 position of intron 33 of the ATM gene. Splice site prediction tools suggest that this variant may have a significant impact on RNA splicing. However, this prediction has not been confirmed in published RNA studies. This variant has not been reported in individuals affected with hereditary cancer in the literature. This variant has not been identified in the general population by the Genome Aggregation Database (gnomAD). The available evidence is insufficient to determine the role of this variant in disease conclusively. Therefore, this variant is classified as a Variant of Uncertain Significance.